The following is an entry in ClinVar:

NM_020911.2(PLXNA4):c.1909C>T (p.Leu637Phe)

Gene: PLXNA4 (plexin A4; minus strand). Cytogenetic location: 7q32.3.
Variant type: single nucleotide variant.
Coding change: c.1909C>T on transcript NM_020911.2 (MANE Select); coding-DNA position 1909, C replaced by T.
Protein change: p.Leu637Phe; replaces leucine 637 with phenylalanine.
Molecular consequence: missense variant.
Genome position (GRCh38, 1-based): chr7:132,226,234, G>A on the plus strand (C>T on the coding strand, the complement: PLXNA4 is on the minus strand). VCF-style: chr7-132226234-G-A. GRCh37 (hg19) VCF-style: chr7-131910993-G-A.
Other names: c.1909C>T, p.Leu637Phe (NM_001393897.1); short protein forms L637F.
Identifiers: ClinVar variation 3346947 (VCV003346947.1).

ClinVar aggregate classification (germline): Uncertain significance (0 of 4 stars; one submission).

Conditions:
PLXNA4-related disorder. Also called: PLXNA4-related condition.

gnomAD v4.1: 1 of 1,613,738 alleles (0.000062%); highest among the groups gnomAD compares: Non-Finnish European, 0.000085%; no homozygotes.

Submission:

PreventionGenetics, part of Exact Sciences
Classification: Uncertain significance for PLXNA4-related condition. Last evaluated: 2024-08-22. Review status: no assertion criteria provided. Collection method: clinical testing. Allele origin: germline.
Comment: The PLXNA4 c.1909C>T variant is predicted to result in the amino acid substitution p.Leu637Phe. To our knowledge, this variant has not been reported in the literature or in a large population database, indicating this variant is rare. At this time, the clinical significance of this variant is uncertain due to the absence of conclusive functional and genetic evidence.